The following is an entry in ClinVar:

NM_004656.4(BAP1):c.1984-11C>T

Gene: BAP1 (BRCA1 associated deubiquitinase 1; minus strand). Cytogenetic location: 3p21.1.
Variant type: single nucleotide variant.
Coding change: c.1984-11C>T on transcript NM_004656.4 (MANE Select); 11 bases into the intron before coding-DNA position 1984, C replaced by T.
Molecular consequence: intron variant.
Genome position (GRCh38, 1-based): chr3:52,402,685, G>A on the plus strand (C>T on the coding strand, the complement: BAP1 is on the minus strand). VCF-style: chr3-52402685-G-A. GRCh37 (hg19) VCF-style: chr3-52436701-G-A.
Other names: c.1930-11C>T (NM_001410772.1).
Identifiers: ClinVar variation 2761103 (VCV002761103.4), dbSNP rs1705001948, ClinGen allele CA2666007249.

ClinVar aggregate classification (germline): Likely benign. Review status: criteria provided, multiple submitters, no conflicts (2 of 4 stars). 2 submissions from 2 submitters: Likely benign (2). Last evaluated 2024-07-17.

Conditions:
BAP1-related tumor predisposition syndrome (TPDS1). Also called: COMMON Syndrome; Tumor susceptibility linked to germline BAP1 mutations; TUMOR PREDISPOSITION SYNDROME 1; BAP1 tumor predisposition syndrome. Identifiers: Orphanet 289539, MedGen C3280492, MONDO:0013692, OMIM 614327.

Submissions (2):

Myriad Genetics, Inc.
Classification: Likely benign for BAP1-related tumor predisposition syndrome. Last evaluated: 2024-07-17. Review status: criteria provided, single submitter. Criteria: Myriad Autosomal Dominant, Autosomal Recessive and X-Linked Classification Criteria (2023). Collection method: clinical testing. Allele origin: unknown.
Comment: This variant is considered likely benign. This variant is intronic and is not expected to impact mRNA splicing.

Labcorp Genetics (formerly Invitae), Labcorp
Classification: Likely benign for BAP1-related tumor predisposition syndrome. Last evaluated: 2023-10-30. Review status: criteria provided, single submitter. Criteria: Invitae Variant Classification Sherloc (09022015). Collection method: clinical testing. Allele origin: germline.